The following is an entry in ClinVar:

ClinVar aggregate classification (germline): Uncertain significance (0 of 4 stars; one submission).

Conditions:
SEMA3F-related disorder. Also called: SEMA3F-related condition.

Allele frequency attached by ClinVar (database versions not stated): gnomAD exomes below 0.00001; ExAC 0.00001; gnomAD 0.00001; TOPMed 0.00001; ESP Exome Variant Server 0.00008.

Submission:

PreventionGenetics, part of Exact Sciences
Classification: Uncertain significance for SEMA3F-related condition. Last evaluated: 2024-09-12. Review status: no assertion criteria provided. Collection method: clinical testing. Allele origin: germline.
Comment: The SEMA3F c.2018G>A variant is predicted to result in the amino acid substitution p.Arg673His. To our knowledge, this variant has not been reported in the literature. This variant is reported in 0.011% of alleles in individuals of East Asian descent in gnomAD. At this time, the clinical significance of this variant is uncertain due to the absence of conclusive functional and genetic evidence.

NM_004186.5(SEMA3F):c.2018G>A (p.Arg673His)

Gene: SEMA3F (semaphorin 3F; plus strand). Cytogenetic location: 3p21.31.
Variant type: single nucleotide variant.
Coding change: c.2018G>A on transcript NM_004186.5 (MANE Select); coding-DNA position 2018, G replaced by A.
Protein change: p.Arg673His; replaces arginine 673 with histidine.
Molecular consequence: missense variant.
Genome position (GRCh38, 1-based): chr3:50,187,775, G>A. VCF-style: chr3-50187775-G-A. GRCh37 (hg19) VCF-style: chr3-50225208-G-A.
Other names: c.1721G>A, p.Arg574His (NM_001318798.2); c.1925G>A, p.Arg642His (NM_001318800.2); short protein forms R574H, R642H, R673H.
Identifiers: ClinVar variation 3031462 (VCV003031462.2), dbSNP rs377363752, ClinGen allele CA2412318.